The following is an entry in ClinVar:

ClinVar aggregate classification (germline): Conflicting classifications of pathogenicity. Review status: criteria provided, conflicting classifications (1 of 4 stars). 7 submissions from 7 submitters: Uncertain significance (4); Likely benign (3). Last evaluated 2026-01-14.

Conditions:
Cardiomyopathy (CMYO). Also called: Cardiomyopathies. Identifiers: Orphanet 167848, MedGen C0878544, MONDO:0004994, HP:0001638. Inheritance: Various modes of inheritance.
Myofibrillar myopathy 5. Also called: FILAMINOPATHY, AUTOSOMAL DOMINANT; Filaminopathy (type). Identifiers: Orphanet 171445, MedGen C1836050, MONDO:0012289, OMIM 609524.
Distal myopathy with posterior leg and anterior hand involvement. Also called: WILLIAMS DISTAL MYOPATHY. Identifiers: Orphanet 63273, MedGen C3279722, MONDO:0013550, OMIM 614065.
Hypertrophic cardiomyopathy 26. Also called: Cardiomyopathy, familial hypertrophic, 26. Identifiers: Orphanet 75249, MedGen C4310749, MONDO:0014883, OMIM 617047.
Cardiovascular phenotype. Identifiers: MedGen CN230736.

Allele frequency attached by ClinVar (database versions not stated): gnomAD 0.00003 and 0.00004; TOPMed 0.00006; ExAC 0.00007; gnomAD exomes 0.00007.
gnomAD v4.1: 102 of 1,612,454 alleles (0.0063%); highest among the groups gnomAD compares: Middle Eastern, 0.017%; no homozygotes.

Submissions (7):

Labcorp Genetics (formerly Invitae), Labcorp
Classification: Likely benign for Distal myopathy with posterior leg and anterior hand involvement; Myofibrillar myopathy 5; Hypertrophic cardiomyopathy 26. Last evaluated: 2026-01-14. Review status: criteria provided, single submitter. Criteria: Invitae Variant Classification Sherloc (09022015). Collection method: clinical testing. Allele origin: germline.

Ambry Genetics
Classification: Likely benign for Cardiovascular phenotype. Last evaluated: 2024-09-22. Review status: criteria provided, single submitter. Criteria: Ambry Variant Classification Scheme 2023. Collection method: clinical testing. Allele origin: germline.

Women's Health and Genetics/Laboratory Corporation of America, LabCorp
Classification: Likely benign. Last evaluated: 2024-06-10. Review status: criteria provided, single submitter. Criteria: LabCorp Variant Classification Summary - May 2015. Collection method: clinical testing. Allele origin: germline.
Comment: Variant summary: FLNC c.3133C>A (p.His1045Asn) results in a conservative amino acid change in the encoded protein sequence. Four of five in-silico tools predict a benign effect of the variant on protein function. The variant allele was found at a frequency of 6.9e-05 in 247004 control chromosomes. The observed variant frequency is approximately 8.81 fold of the estimated maximal expected allele frequency for a pathogenic variant in FLNC causing Dilated Cardiomyopathy phenotype (7.8e-06). c.3133C>A has been reported in the literature in individuals affected with Dilated Cardiomyopathy (example, Smith_2022). These report(s) do not provide unequivocal conclusions about association of the variant with Dilated Cardiomyopathy. To our knowledge, no experimental evidence demonstrating an impact on protein function has been reported. The following publication has been ascertained in the context of this evaluation (PMID: 35470680). ClinVar contains an entry for this variant (Variation ID: 432753). Based on the evidence outlined above, the variant was classified as likely benign.

GeneDx
Classification: Uncertain significance. Last evaluated: 2024-03-07. Review status: criteria provided, single submitter. Criteria: GeneDx Variant Classification Process June 2021. Collection method: clinical testing. Allele origin: germline. Affected: yes.
Comment: Identified in a patient with dilated cardiomyopathy (DCM) in the published literature (PMID: 35470680); In silico analysis supports that this missense variant has a deleterious effect on protein structure/function; This variant is associated with the following publications: (PMID: 35470680)

CHEO Genetics Diagnostic Laboratory, Children's Hospital of Eastern Ontario
Classification: Uncertain significance for Cardiomyopathy. Last evaluated: 2023-05-16. Review status: criteria provided, single submitter. Criteria: ACMG Guidelines, 2015. Collection method: clinical testing. Allele origin: germline.

Revvity Omics, Revvity
Classification: Uncertain significance. Last evaluated: 2021-11-25. Review status: criteria provided, single submitter. Criteria: ACMG Guidelines, 2015. Collection method: clinical testing. Allele origin: germline.

Fulgent Genetics
Classification: Uncertain significance for Myofibrillar myopathy 5; Distal myopathy with posterior leg and anterior hand involvement; Hypertrophic cardiomyopathy 26. Last evaluated: 2021-09-12. Review status: criteria provided, single submitter. Criteria: ACMG Guidelines, 2015. Collection method: clinical testing. Allele origin: unknown.

Literature cited by the submitters: PubMed 35470680 (cited by Ambry Genetics and Women's Health and Genetics/Laboratory Corporation of America, LabCorp); PubMed 38473809 (cited by Ambry Genetics); PubMed 38757491 (cited by Ambry Genetics).

NM_001458.5(FLNC):c.3133C>A (p.His1045Asn)

Gene: FLNC (filamin C; plus strand). Cytogenetic location: 7q32.1.
Variant type: single nucleotide variant.
Coding change: c.3133C>A on transcript NM_001458.5 (MANE Select); coding-DNA position 3133, C replaced by A.
Protein change: p.His1045Asn; replaces histidine 1045 with asparagine.
Molecular consequence: missense variant.
Genome position (GRCh38, 1-based): chr7:128,844,207, C>A. VCF-style: chr7-128844207-C-A. GRCh37 (hg19) VCF-style: chr7-128484261-C-A.
Other names: c.3133C>A, p.His1045Asn (NM_001127487.2); short protein forms H1045N.
Identifiers: ClinVar variation 432753 (VCV000432753.20), dbSNP rs201863231, ClinGen allele CA4474960.